The following is an entry in ClinVar:

NM_014946.4(SPAST):c.415+1G>T

Gene: SPAST (spastin; plus strand). Cytogenetic location: 2p22.3.
Variant type: single nucleotide variant.
Coding change: c.415+1G>T on transcript NM_014946.4 (MANE Select); the canonical splice donor site of the intron after coding-DNA position 415, G replaced by T.
Molecular consequence: splice donor variant.
Genome position (GRCh38, 1-based): chr2:32,064,247, G>T. VCF-style: chr2-32064247-G-T. GRCh37 (hg19) VCF-style: chr2-32289316-G-T.
Other names: c.415+1G>T (NM_199436.2, NM_001377959.1, NM_001363823.2 and 1 more transcripts).
Identifiers: ClinVar variation 381666 (VCV000381666.7), dbSNP rs1057521135, ClinGen allele CA16604220.
Genomic context (GRCh38, chr2:32,064,247, plus strand): 5'-TCCACAAACAGGCCTTCGAGTACATCTCCATTGCCCTGCGCATCGATGAGGATGAGAAAG[G>T]TAACTAGGGGGCTGGGGGAGGGGGCGGCGGCGCCGGGAAGAAGGCGGTGGGGTCGCCGGG-3'

ClinVar aggregate classification (germline): Pathogenic. Review status: criteria provided, multiple submitters, no conflicts (2 of 4 stars). 2 submissions from 2 submitters: Pathogenic (2). Last evaluated 2024-08-29.

Conditions:
Hereditary spastic paraplegia 4. Also called: Spastic paraplegia 4, autosomal dominant; Spastic Paraplegia 4; Familial spastic paraplegia autosomal dominant 2. Identifiers: Orphanet 100985, MedGen C1866855, MONDO:0008438, OMIM 182601.

Allele frequency attached by ClinVar (database versions not stated): gnomAD exomes below 0.00001.
gnomAD v4.1: 3 of 1,285,846 alleles (0.00023%); highest among the groups gnomAD compares: African/African-American, 0.0015%; no homozygotes.

Submissions (2):

GeneDx
Classification: Pathogenic. Last evaluated: 2024-08-29. Review status: criteria provided, single submitter. Criteria: GeneDx Variant Classification Process June 2021. Collection method: clinical testing. Allele origin: germline. Affected: yes.
Comment: Canonical splice site variant predicted to result in a null allele in a gene for which loss of function is a known mechanism of disease; Not observed at significant frequency in large population cohorts (gnomAD); This variant is associated with the following publications: (PMID: 16055926)

Labcorp Genetics (formerly Invitae), Labcorp
Classification: Pathogenic for Hereditary spastic paraplegia 4. Last evaluated: 2023-05-09. Review status: criteria provided, single submitter. Criteria: Invitae Variant Classification Sherloc (09022015). Collection method: clinical testing. Allele origin: germline.
Comment: This variant is not present in population databases (gnomAD no frequency). For these reasons, this variant has been classified as Pathogenic. Algorithms developed to predict the effect of sequence changes on RNA splicing suggest that this variant may disrupt the consensus splice site. ClinVar contains an entry for this variant (Variation ID: 381666). Disruption of this splice site has been observed in individuals with hereditary spastic paraplegia (PMID: 16055926). This sequence change affects a donor splice site in intron 1 of the SPAST gene. It is expected to disrupt RNA splicing. Variants that disrupt the donor or acceptor splice site typically lead to a loss of protein function (PMID: 16199547), and loss-of-function variants in SPAST are known to be pathogenic (PMID: 20932283).

Literature cited by the submitters: PubMed 16055926 (cited by Labcorp Genetics (formerly Invitae), Labcorp); PubMed 16199547 (cited by Labcorp Genetics (formerly Invitae), Labcorp); PubMed 20932283 (cited by Labcorp Genetics (formerly Invitae), Labcorp).